The following is an entry in ClinVar:

ClinVar aggregate classification (germline): Uncertain significance (1 of 4 stars; one submission).

Submission:

GeneDx
Classification: Uncertain significance. Last evaluated: 2025-06-28. Review status: criteria provided, single submitter. Criteria: GeneDx Variant Classification Process June 2021. Collection method: clinical testing. Allele origin: germline. Affected: yes.
Comment: In silico analysis suggests that this missense variant does not alter protein structure/function; Not observed at significant frequency in large population cohorts (gnomAD); Has not been previously published as pathogenic or benign to our knowledge

NM_031407.7(HUWE1):c.3266G>A (p.Ser1089Asn)

Gene: HUWE1 (HECT, UBA and WWE domain containing E3 ubiquitin protein ligase 1; minus strand). Cytogenetic location: Xp11.22.
Variant type: single nucleotide variant.
Coding change: c.3266G>A on transcript NM_031407.7 (MANE Select); coding-DNA position 3266, G replaced by A.
Protein change: p.Ser1089Asn; replaces serine 1089 with asparagine.
Molecular consequence: missense variant.
Genome position (GRCh38, 1-based): chrX:53,595,301, C>T on the plus strand (G>A on the coding strand, the complement: HUWE1 is on the minus strand). VCF-style: chrX-53595301-C-T. GRCh37 (hg19) VCF-style: chrX-53622261-C-T.
Other names: c.3266G>A, p.Ser1089Asn (NM_001441048.1, NM_001441049.1, NM_001441051.1 and 6 more transcripts); c.3287G>A, p.Ser1096Asn (NM_001441050.1, NM_001441055.1); short protein forms S1089N, S1096N.
Identifiers: ClinVar variation 4539951 (VCV004539951.1).